The following is an entry in ClinVar:

NM_001379200.1(TBX1):c.666C>G (p.Phe222Leu)

Gene: TBX1 (T-box transcription factor 1; plus strand). Cytogenetic location: 22q11.21.
Variant type: single nucleotide variant.
Coding change: c.666C>G on transcript NM_001379200.1 (MANE Select); coding-DNA position 666, C replaced by G.
Protein change: p.Phe222Leu; replaces phenylalanine 222 with leucine.
Molecular consequence: missense variant.
Genome position (GRCh38, 1-based): chr22:19,764,281, C>G. VCF-style: chr22-19764281-C-G. GRCh37 (hg19) VCF-style: chr22-19751804-C-G.
Other names: c.639C>G, p.Phe213Leu (NM_005992.1, NM_080646.2, NM_080647.1); short protein forms F213L, F222L.
Identifiers: ClinVar variation 5008697 (VCV005008697.1).

ClinVar aggregate classification (germline): Uncertain significance (1 of 4 stars; one submission).

gnomAD v4.1: 5 of 1,613,290 alleles (0.00031%); highest among the groups gnomAD compares: Non-Finnish European, 0.00042%; no homozygotes.

Submission:

GeneDx
Classification: Uncertain significance. Last evaluated: 2026-03-05. Review status: criteria provided, single submitter. Criteria: GeneDx Variant Classification Process June 2021. Collection method: clinical testing. Allele origin: germline.
Comment: Not observed at significant frequency in large population cohorts (gnomAD); In silico analysis supports that this missense variant has a deleterious effect on protein structure/function; Has not been previously published as pathogenic or benign to our knowledge